The following is an entry in ClinVar:

ClinVar aggregate classification (germline): Uncertain significance (1 of 4 stars; one submission).

gnomAD v4.1: 1 of 1,613,944 alleles (0.000062%); no homozygotes.

Submission:

GeneDx
Classification: Uncertain significance. Last evaluated: 2026-02-17. Review status: criteria provided, single submitter. Criteria: GeneDx Variant Classification Process June 2021. Collection method: clinical testing. Allele origin: germline.
Comment: Not observed at significant frequency in large population cohorts (gnomAD); In silico analysis supports that this missense variant has a deleterious effect on protein structure/function; Has not been previously published as pathogenic or benign to our knowledge; This substitution is predicted to be within the transmembrane segment S1 of the fourth homologous domain

NM_001040142.2(SCN2A):c.4637T>G (p.Val1546Gly)

Gene: SCN2A (sodium voltage-gated channel alpha subunit 2; plus strand). Cytogenetic location: 2q24.3.
Variant type: single nucleotide variant.
Coding change: c.4637T>G on transcript NM_001040142.2 (MANE Select); coding-DNA position 4637, T replaced by G.
Protein change: p.Val1546Gly; replaces valine 1546 with glycine.
Molecular consequence: missense variant.
Genome position (GRCh38, 1-based): chr2:165,386,831, T>G. VCF-style: chr2-165386831-T-G. GRCh37 (hg19) VCF-style: chr2-166243341-T-G.
Other names: c.4637T>G, p.Val1546Gly (NM_001040143.2, NM_001371246.1, NM_001371247.1 and 1 more transcripts); short protein forms V1546G.
Identifiers: ClinVar variation 5009575 (VCV005009575.1).